The following is an entry in ClinVar:

ClinVar aggregate classification (germline): Uncertain significance (1 of 4 stars; one submission).

Conditions:
Atrioventricular septal defect 4 (AVSD4). Identifiers: MedGen C3280781, MONDO:0013747, OMIM 614430.

Submission:

Labcorp Genetics (formerly Invitae), Labcorp
Classification: Uncertain significance for Atrioventricular septal defect 4. Last evaluated: 2019-07-22. Review status: criteria provided, single submitter. Criteria: Invitae Variant Classification Sherloc (09022015). Collection method: clinical testing. Allele origin: germline.
Comment: This sequence change replaces proline with alanine at codon 407 of the GATA4 protein (p.Pro407Ala). The proline residue is moderately conserved and there is a small physicochemical difference between proline and alanine. This variant is not present in population databases (ExAC no frequency). This variant has not been reported in the literature in individuals with GATA4-related conditions. Algorithms developed to predict the effect of missense changes on protein structure and function (SIFT, PolyPhen-2, Align-GVGD) all suggest that this variant is likely to be tolerated, but these predictions have not been confirmed by published functional studies and their clinical significance is uncertain. In summary, the available evidence is currently insufficient to determine the role of this variant in disease. Therefore, it has been classified as a Variant of Uncertain Significance.

NM_001308093.3(GATA4):c.1222C>G (p.Pro408Ala)

Gene: GATA4 (GATA binding protein 4). Cytogenetic location: 8p23.1.
Variant type: single nucleotide variant.
Coding change: c.1222C>G on transcript NM_001308093.3 (MANE Select); coding-DNA position 1222, C replaced by G.
Protein change: p.Pro408Ala; replaces proline 408 with alanine.
Molecular consequence: missense variant.
Genome position (GRCh38, 1-based): chr8:11,758,365, C>G. VCF-style: chr8-11758365-C-G. GRCh37 (hg19) VCF-style: chr8-11615874-C-G.
Other names: c.601C>G, p.Pro201Ala (NM_001308094.2, NM_001374273.1); c.475C>G, p.Pro159Ala (NM_001374274.1); c.1219C>G, p.Pro407Ala (NM_002052.5); short protein forms P407A, P201A, P408A, P159A.
Identifiers: ClinVar variation 960006 (VCV000960006.9), dbSNP rs1585706968, ClinGen allele CA370315670.